The following is an entry in ClinVar:

ClinVar aggregate classification (germline): Pathogenic/Likely pathogenic. Review status: criteria provided, multiple submitters, no conflicts (2 of 4 stars). 3 submissions from 3 submitters: Pathogenic (1); Likely pathogenic (2). Last evaluated 2025-10-09.

Conditions:
Cerebral arterial disease. Identifiers: MedGen C0007774, MONDO:0006693.
Cerebral arteriopathy, autosomal dominant, with subcortical infarcts and leukoencephalopathy, type 2 (CADASIL2). Identifiers: MedGen C4225211, MONDO:0014768, OMIM 616779.
Cerebral arteriopathy, autosomal recessive, with subcortical infarcts and leukoencephalopathy 2. Also called: CEREBROVASCULAR DISEASE WITH THIN SKIN, ALOPECIA, AND DISC DISEASE; MAEDA SYNDROME; SUBCORTICAL VASCULAR ENCEPHALOPATHY, PROGRESSIVE; Cerebral autosomal recessive arteriopathy with subcortical infarcts and leukoencephalopathy; CARASIL syndrome. Identifiers: Orphanet 199354, MedGen C6022615, MONDO:0010829, OMIM 600142.

Allele frequency attached by ClinVar (database versions not stated): gnomAD exomes below 0.00001; gnomAD 0.00001.
gnomAD v4.1: 7 of 1,613,948 alleles (0.00043%); highest among the groups gnomAD compares: Admixed American, 0.0033%; no homozygotes.

Submissions (3):

Variantyx, Inc.
Classification: Pathogenic for Cerebral arteriopathy, autosomal dominant, with subcortical infarcts and leukoencephalopathy, type 2. Last evaluated: 2025-10-09. Review status: criteria provided, single submitter. Criteria: Variantyx Assertion Criteria 2022. Collection method: clinical testing. Allele origin: germline. Inheritance: Autosomal dominant inheritance.
Comment: This is a nonsynonymous variant in the HTRA1 gene (OMIM: 602194). Pathogenic variants in this gene have been associated with autosomal dominant cerebral arteriopathy with subcortical infarcts and leukoencephalopathy type 2. Functional studies have shown that this variant alters HTRA1 protein function (PMID: 39196222, 39013852) (PS3), and an alternate amino acid change at this position (p.Arg166Cys) has been previously reported in similarly affected individuals, which suggests that this residue is biologically important (PMID: 28402226, 30447605, 25712943) (PM5). Moreover, multiple computational algorithms predict a deleterious effect for this variant (REVEL score: 0.789) (PP3). This variant has a 0.0033% maximum allele frequency in non-founder control populations (PM2). It has been reported in the heterozygous state in at least one affected individual (PMID: 39569513). Based on the current evidence, this variant is classified as lpathogenic for autosomal dominant cerebral arteriopathy with subcortical infarcts and leukoencephalopathy type 2.

Labcorp Genetics (formerly Invitae), Labcorp
Classification: Likely pathogenic. Last evaluated: 2025-06-27. Review status: criteria provided, single submitter. Criteria: Invitae Variant Classification Sherloc (09022015). Collection method: clinical testing. Allele origin: germline.
Comment: This sequence change replaces arginine, which is basic and polar, with histidine, which is basic and polar, at codon 166 of the HTRA1 protein (p.Arg166His). This variant is present in population databases (no rsID available, gnomAD 0.004%). This missense change has been observed in individuals with clinical features of cerebral arteriopathy with subcortical infarcts and leukoencephalopathy (internal data). ClinVar contains an entry for this variant (Variation ID: 1910224). Invitae Evidence Modeling of protein sequence and biophysical properties (such as structural, functional, and spatial information, amino acid conservation, physicochemical variation, residue mobility, and thermodynamic stability) has been performed for this missense variant. However, the output from this modeling did not meet the statistical confidence thresholds required to predict the impact of this variant on HTRA1 protein function. Experimental studies are conflicting or provide insufficient evidence to determine the effect of this variant on HTRA1 function (PMID: 39013852). This variant disrupts the p.Arg166 amino acid residue in HTRA1. Other variant(s) that disrupt this residue have been determined to be pathogenic (PMID: 25712943, 26063658, 28402226, 30447605, 31316458). This suggests that this residue is clinically significant, and that variants that disrupt this residue are likely to be disease-causing. In summary, the currently available evidence indicates that the variant is pathogenic, but additional data are needed to prove that conclusively. Therefore, this variant has been classified as Likely Pathogenic.

Cambridge Genomics Laboratory, East Genomic Laboratory Hub, NHS Genomic Medicine Service
Classification: Likely pathogenic for Cerebral arterial disease. Last evaluated: 2019-12-22. Review status: criteria provided, single submitter. Criteria: ACGS Best Practice Guidelines for Variant Classification in Rare Disease 2020. Collection method: clinical testing. Allele origin: germline. Affected: yes. Observed: 1 variant allele.

Literature cited by the submitters: PubMed 39196222 (cited by Variantyx, Inc.); PubMed 39013852 (cited by Variantyx, Inc. and Labcorp Genetics (formerly Invitae), Labcorp); PubMed 25712943 (cited by Labcorp Genetics (formerly Invitae), Labcorp); PubMed 26063658 (cited by Labcorp Genetics (formerly Invitae), Labcorp); PubMed 28402226 (cited by Labcorp Genetics (formerly Invitae), Labcorp); PubMed 30447605 (cited by Labcorp Genetics (formerly Invitae), Labcorp); PubMed 31316458 (cited by Labcorp Genetics (formerly Invitae), Labcorp).

NM_002775.5(HTRA1):c.497G>A (p.Arg166His)

Gene: HTRA1 (HtrA serine peptidase 1; plus strand). Cytogenetic location: 10q26.13.
Variant type: single nucleotide variant.
Coding change: c.497G>A on transcript NM_002775.5 (MANE Select); coding-DNA position 497, G replaced by A.
Protein change: p.Arg166His; replaces arginine 166 with histidine.
Molecular consequence: missense variant.
Genome position (GRCh38, 1-based): chr10:122,488,926, G>A. VCF-style: chr10-122488926-G-A. GRCh37 (hg19) VCF-style: chr10-124248442-G-A.
Other names: c.497G>A (NM_002775.4); short protein forms R166H.
Identifiers: ClinVar variation 1910224 (VCV001910224.7), dbSNP rs864622781, ClinGen allele CA378579777.